The following is an entry in ClinVar:

ClinVar aggregate classification (germline): Uncertain significance (1 of 4 stars; one submission).

Submission:

GeneDx
Classification: Uncertain significance. Last evaluated: 2025-05-29. Review status: criteria provided, single submitter. Criteria: GeneDx Variant Classification Process June 2021. Collection method: clinical testing. Allele origin: germline. Affected: yes.
Comment: Not observed at significant frequency in large population cohorts (gnomAD); In-frame deletion of 2 amino acid(s) in a non-repeat region; In silico analysis suggests that this variant does not alter protein structure/function; Has not been previously published as pathogenic or benign to our knowledge

NM_015202.5(KATNIP):c.841_846del (p.Arg281_Lys282del)

Gene: KATNIP (katanin interacting protein; plus strand). Cytogenetic location: 16p12.1.
Variant type: Deletion.
Coding change: c.841_846del on transcript NM_015202.5 (MANE Select); coding-DNA positions 841 to 846, 6 bases deleted (CGGAAG; older notation c.841_846delCGGAAG).
Protein change: p.Arg281_Lys282del.
Molecular consequence: inframe deletion.
Genome position (GRCh38, 1-based): chr16:27,681,431-27,681,436, CGGAAG deleted; deleting any 6 consecutive bases within chr16:27,681,428-27,681,436 gives the same sequence; the c. name uses the placement nearest the transcript's 3' end. VCF-style (leftmost placement, unchanged base first): chr16-27681427-AAAGCGG-A. GRCh37 (hg19) VCF-style: chr16-27692748-AAAGCGG-A.
Identifiers: ClinVar variation 4532549 (VCV004532549.1).